The following is an entry in ClinVar:

NM_000051.4(ATM):c.4107del (p.Asp1371fs)

Gene: ATM (ATM serine/threonine kinase; plus strand). Cytogenetic location: 11q22.3.
Variant type: Deletion.
Coding change: c.4107del on transcript NM_000051.4 (MANE Select); coding-DNA position 4107, one base deleted (A; older notation c.4107delA).
Protein change: p.Asp1371fs; shifts the reading frame from aspartic acid 1371.
Molecular consequence: frameshift variant.
Genome position (GRCh38, 1-based): chr11:108,287,713, A deleted. VCF-style (leftmost placement, unchanged base first): chr11-108287712-CA-C. GRCh37 (hg19) VCF-style: chr11-108158439-CA-C.
Other names: c.4107del, p.Asp1371fs (NM_001351834.2); short protein forms D1371fs.
Identifiers: ClinVar variation 2880604 (VCV002880604.4), dbSNP rs2546898957, ClinGen allele CA2739266016.

ClinVar aggregate classification (germline): Pathogenic. Review status: criteria provided, multiple submitters, no conflicts (2 of 4 stars). 2 submissions from 2 submitters: Pathogenic (2). Last evaluated 2025-08-24.

Conditions:
Ataxia-telangiectasia syndrome (AT). Also called: Ataxia-telangiectasia, complementation group E; Ataxia telangiectasia (A-T); LOUIS-BAR SYNDROME; ATAXIA-TELANGIECTASIA, COMPLEMENTATION GROUP A; ATAXIA-TELANGIECTASIA, FRESNO VARIANT; Ataxia-telangiectasia, complementation group D. Identifiers: Orphanet 100, MedGen C0004135, MONDO:0008840, OMIM 208900.
Familial cancer of breast. Also called: BREAST CANCER, FAMILIAL; Hereditary breast cancer; hereditary breast carcinoma. Identifiers: Orphanet 227535, MedGen C0346153, MONDO:0016419, OMIM 114480. Disease mechanism: loss of function.

Submissions (2):

Labcorp Genetics (formerly Invitae), Labcorp
Classification: Pathogenic for Ataxia-telangiectasia syndrome. Last evaluated: 2025-08-24. Review status: criteria provided, single submitter. Criteria: Invitae Variant Classification Sherloc (09022015). Collection method: clinical testing. Allele origin: germline.
Comment: This sequence change creates a premature translational stop signal (p.Asp1371Ilefs*15) in the ATM gene. It is expected to result in an absent or disrupted protein product. Loss-of-function variants in ATM are known to be pathogenic (PMID: 23807571, 25614872). This variant is not present in population databases (gnomAD no frequency). This premature translational stop signal has been observed in individual(s) with family history of breast cancer (PMID: 26296701). ClinVar contains an entry for this variant (Variation ID: 2880604). For these reasons, this variant has been classified as Pathogenic.

Myriad Genetics, Inc.
Classification: Pathogenic for Familial cancer of breast. Last evaluated: 2024-01-23. Review status: criteria provided, single submitter. Criteria: Myriad Autosomal Dominant, Autosomal Recessive and X-Linked Classification Criteria (2023). Collection method: clinical testing. Allele origin: unknown.
Comment: This variant is considered pathogenic. This variant creates a frameshift predicted to result in premature protein truncation.

Literature cited by the submitters: PubMed 23807571 (cited by Labcorp Genetics (formerly Invitae), Labcorp); PubMed 25614872 (cited by Labcorp Genetics (formerly Invitae), Labcorp); PubMed 26296701 (cited by Labcorp Genetics (formerly Invitae), Labcorp).